The following is an entry in ClinVar:

NM_005751.5(AKAP9):c.11195G>A (p.Cys3732Tyr)

Gene: AKAP9 (A-kinase anchoring protein 9; plus strand). Cytogenetic location: 7q21.2.
Variant type: single nucleotide variant.
Coding change: c.11195G>A on transcript NM_005751.5 (MANE Select); coding-DNA position 11195, G replaced by A.
Protein change: p.Cys3732Tyr; replaces cysteine 3732 with tyrosine.
Molecular consequence: missense variant.
Genome position (GRCh38, 1-based): chr7:92,102,691, G>A. VCF-style: chr7-92102691-G-A. GRCh37 (hg19) VCF-style: chr7-91732005-G-A.
Other names: c.5840G>A, p.Cys1947Tyr (NM_001379277.1); c.11171G>A, p.Cys3724Tyr (NM_147185.3); short protein forms C3732Y, C3724Y, C1947Y.
Identifiers: ClinVar variation 519266 (VCV000519266.7), dbSNP rs752031242, ClinGen allele CA4338105.
Genomic context (GRCh38, chr7:92,102,691, plus strand): 5'-GAAAGGCTCTCATTTACCAGAAGAAATACCTGCTGCTGTTACTGGGTGGGTTCCAGGAAT[G>A]TGAAGATGCCACCTTGGCCCTGCTTGCCCGGATGGGGGGGCAGCCAGCTTTCACGGATCT-3'
Protein context (NP_005742.4, residues 3722-3742): LLLLLGGFQE[Cys3732Tyr]EDATLALLAR

ClinVar aggregate classification (germline): Uncertain significance. Review status: criteria provided, multiple submitters, no conflicts (2 of 4 stars). 2 submissions from 2 submitters: Uncertain significance (2). Last evaluated 2024-04-19.

Conditions:
Cardiovascular phenotype. Identifiers: MedGen CN230736.
Long QT syndrome 11 (LQT11). Identifiers: Orphanet 101016, Orphanet 768, MedGen C2678483, MONDO:0012738, OMIM 611820.

Allele frequency attached by ClinVar (database versions not stated): gnomAD exomes below 0.00001 and 0.00002; gnomAD 0.00001; TOPMed 0.00001; ExAC 0.00002.
gnomAD v4.1: 8 of 1,614,112 alleles (0.0005%); highest among the groups gnomAD compares: Non-Finnish European, 0.00068%; no homozygotes.

Submissions (2):

Ambry Genetics
Classification: Uncertain significance for Cardiovascular phenotype. Last evaluated: 2024-04-19. Review status: criteria provided, single submitter. Criteria: Ambry Variant Classification Scheme 2023. Collection method: clinical testing. Allele origin: germline.
Comment: The p.C3732Y variant (also known as c.11195G>A), located in coding exon 46 of the AKAP9 gene, results from a G to A substitution at nucleotide position 11195. The cysteine at codon 3732 is replaced by tyrosine, an amino acid with highly dissimilar properties. This amino acid position is highly conserved in available vertebrate species. In addition, the in silico prediction for this alteration is inconclusive. Since supporting evidence is limited at this time, the clinical significance of this variant remains unclear.

Fulgent Genetics
Classification: Uncertain significance for Long QT syndrome 11. Last evaluated: 2021-07-29. Review status: criteria provided, single submitter. Criteria: ACMG Guidelines, 2015. Collection method: clinical testing. Allele origin: unknown.